The following is an entry in ClinVar:

ClinVar aggregate classification (germline): Uncertain significance (1 of 4 stars; one submission).

Conditions:
Combined immunodeficiency due to OX40 deficiency. Also called: OX40 DEFICIENCY; Immunodeficiency 16. Identifiers: Orphanet 431149, MedGen C3810053, MONDO:0014268, OMIM 615593.

gnomAD v4.1: 1 of 1,611,474 alleles (0.000062%); highest among the groups gnomAD compares: Non-Finnish European, 0.000085%; no homozygotes.

Submission:

Labcorp Genetics (formerly Invitae), Labcorp
Classification: Uncertain significance for Combined immunodeficiency due to OX40 deficiency. Last evaluated: 2025-08-26. Review status: criteria provided, single submitter. Criteria: Invitae Variant Classification Sherloc (09022015). Collection method: clinical testing. Allele origin: germline.
Comment: This sequence change replaces aspartic acid, which is acidic and polar, with alanine, which is neutral and non-polar, at codon 104 of the TNFRSF4 protein (p.Asp104Ala). This variant is not present in population databases (gnomAD no frequency). This variant has not been reported in the literature in individuals affected with TNFRSF4-related conditions. Invitae Evidence Modeling of protein sequence and biophysical properties (such as structural, functional, and spatial information, amino acid conservation, physicochemical variation, residue mobility, and thermodynamic stability) indicates that this missense variant is expected to disrupt TNFRSF4 protein function with a positive predictive value of 80%. In summary, the available evidence is currently insufficient to determine the role of this variant in disease. Therefore, it has been classified as a Variant of Uncertain Significance.

NM_003327.4(TNFRSF4):c.311A>C (p.Asp104Ala)

Gene: TNFRSF4 (TNF receptor superfamily member 4; minus strand). Cytogenetic location: 1p36.33.
Variant type: single nucleotide variant.
Coding change: c.311A>C on transcript NM_003327.4 (MANE Select); coding-DNA position 311, A replaced by C.
Protein change: p.Asp104Ala; replaces aspartic acid 104 with alanine.
Molecular consequence: missense variant.
Genome position (GRCh38, 1-based): chr1:1,213,051, T>G on the plus strand (A>C on the coding strand, the complement: TNFRSF4 is on the minus strand). VCF-style: chr1-1213051-T-G. GRCh37 (hg19) VCF-style: chr1-1148431-T-G.
Other names: c.311A>C, p.Asp104Ala (NM_001410709.1); short protein forms D104A.
Identifiers: ClinVar variation 4744532 (VCV004744532.1).